The following is an entry in ClinVar:

ClinVar aggregate classification (germline): Uncertain significance (1 of 4 stars; one submission).

Allele frequency attached by ClinVar (database versions not stated): gnomAD exomes below 0.00001; gnomAD 0.00001; TOPMed 0.00002.
gnomAD v4.1: 7 of 1,613,790 alleles (0.00043%); highest among the groups gnomAD compares: East Asian, 0.0045%; no homozygotes.

Submission:

Labcorp Genetics (formerly Invitae), Labcorp
Classification: Uncertain significance. Last evaluated: 2023-12-10. Review status: criteria provided, single submitter. Criteria: Invitae Variant Classification Sherloc (09022015). Collection method: clinical testing. Allele origin: germline.
Comment: This sequence change replaces alanine, which is neutral and non-polar, with threonine, which is neutral and polar, at codon 1644 of the LAMB1 protein (p.Ala1644Thr). This variant is present in population databases (no rsID available, gnomAD 0.06%). This variant has not been reported in the literature in individuals affected with LAMB1-related conditions. An algorithm developed to predict the effect of missense changes on protein structure and function (PolyPhen-2) suggests that this variant is likely to be tolerated. In summary, the available evidence is currently insufficient to determine the role of this variant in disease. Therefore, it has been classified as a Variant of Uncertain Significance.

NM_002291.3(LAMB1):c.4930G>A (p.Ala1644Thr)

Gene: LAMB1 (laminin subunit beta 1; minus strand). Cytogenetic location: 7q31.1.
Variant type: single nucleotide variant.
Coding change: c.4930G>A on transcript NM_002291.3 (MANE Select); coding-DNA position 4930, G replaced by A.
Protein change: p.Ala1644Thr; replaces alanine 1644 with threonine.
Molecular consequence: missense variant.
Genome position (GRCh38, 1-based): chr7:107,926,317, C>T on the plus strand (G>A on the coding strand, the complement: LAMB1 is on the minus strand). VCF-style: chr7-107926317-C-T. GRCh37 (hg19) VCF-style: chr7-107566762-C-T.
Other names: short protein forms A1644T.
Identifiers: ClinVar variation 2993048 (VCV002993048.3), dbSNP rs1473749277, ClinGen allele CA368861106.
Genomic context (GRCh38, chr7:107,926,317, plus strand): 5'-GGGCAGCTTTCCGCTTAAGTTCTTCCACATTCCTCTCTAACTCGCTGATGCGCTGGGACG[C>T]GTTGAACAAGGTTTCCTCAGAAGCTGCTGTTTCAGACTCAATCTAAAAGCATGTCAATTT-3'
Protein context (NP_002282.2, residues 1634-1654): TAASEETLFN[Ala1644Thr]SQRISELERN